The following is an entry in ClinVar:

ClinVar aggregate classification (germline): Uncertain significance (1 of 4 stars; one submission).

Conditions:
Neurodevelopmental disorder. Identifiers: MedGen C1535926, MeSH D065886, MONDO:0700092.

gnomAD v4.1: 3 of 1,609,040 alleles (0.00019%); highest among the groups gnomAD compares: Non-Finnish European, 0.00025%; no homozygotes.

Submission:

Victorian Clinical Genetics Services, Murdoch Childrens Research Institute
Classification: Uncertain significance for Neurodevelopmental disorder. Last evaluated: 2025-03-17. Review status: criteria provided, single submitter. Criteria: ACMG Guidelines, 2015. Collection method: clinical testing. Allele origin: germline. Affected: yes.
Comment: This variant is classified as VUS-3A. Evidence in support of pathogenic classification: Variant is present in gnomAD <0.001 for a dominant condition (v4: 3 heterozygote(s), 0 homozygote(s)); Missense variant predicted to be damaging by in silico tool(s) or highly conserved with a major amino acid change; Additional information: Variant is predicted to result in a missense amino acid change from arginine to cysteine; This variant is heterozygous; This gene is associated with autosomal dominant disease; Alternative amino acid change(s) at the same position are present in gnomAD (Highest allele count: v4: 2 heterozygote(s), 0 homozygote(s)); This variant has no previous evidence of pathogenicity; No published segregation evidence has been identified for this variant; No published functional evidence has been identified for this variant; No comparable missense variants have previous evidence for pathogenicity; Variant is located in a DUF1908 domain (DECIPHER); The mechanism of disease for this gene is not clearly established.

NM_001164664.2(MAST4):c.847C>T (p.Arg283Cys)

Gene: MAST4 (microtubule associated serine/threonine kinase family member 4; plus strand). Cytogenetic location: 5q12.3.
Variant type: single nucleotide variant.
Coding change: c.847C>T on transcript NM_001164664.2 (MANE Select); coding-DNA position 847, C replaced by T.
Protein change: p.Arg283Cys; replaces arginine 283 with cysteine.
Molecular consequence: missense variant.
Genome position (GRCh38, 1-based): chr5:67,095,610, C>T. VCF-style: chr5-67095610-C-T. GRCh37 (hg19) VCF-style: chr5-66391438-C-T.
Other names: c.229C>T, p.Arg77Cys (NM_001290226.2); c.265C>T, p.Arg89Cys (NM_001290227.2, NM_001297651.2, NM_001393527.1); c.856C>T, p.Arg286Cys (NM_001393524.1); c.847C>T, p.Arg283Cys (NM_001393525.1); c.280C>T, p.Arg94Cys (NM_001393526.1, NM_015183.3); c.244C>T, p.Arg82Cys (NM_001393528.1); short protein forms R283C, R286C, R77C, R82C, R89C, R94C.
Identifiers: ClinVar variation 4531998 (VCV004531998.1).